The following is an entry in ClinVar:

NM_003240.5(LEFTY2):c.98G>A (p.Arg33Gln)

Gene: LEFTY2 (left-right determination factor 2; minus strand). Cytogenetic location: 1q42.12.
Variant type: single nucleotide variant.
Coding change: c.98G>A on transcript NM_003240.5 (MANE Select); coding-DNA position 98, G replaced by A.
Protein change: p.Arg33Gln; replaces arginine 33 with glutamine.
Molecular consequence: missense variant.
Genome position (GRCh38, 1-based): chr1:225,941,043, C>T on the plus strand (G>A on the coding strand, the complement: LEFTY2 is on the minus strand). VCF-style: chr1-225941043-C-T. GRCh37 (hg19) VCF-style: chr1-226128743-C-T.
Other names: c.98G>A, p.Arg33Gln (NM_001172425.3); short protein forms R33Q.
Identifiers: ClinVar variation 4744732 (VCV004744732.1).
Genomic context (GRCh38, chr1:225,941,043, plus strand): 5'-ATGACCAGCTTCTCCATGTCGGCCCTGTCCAGTACGGGCACCTCGCTGAGCTGCAGCTGC[C>T]GCAGCAGGCTGCCCAGGAGCTGCTCCTCGGTCAGGGCCGCCCCGGGGCCAGCCAGGGGCA-3'
Protein context (NP_003231.2, residues 23-43): TEEQLLGSLL[Arg33Gln]QLQLSEVPVL

ClinVar aggregate classification (germline): Uncertain significance (1 of 4 stars; one submission).

Conditions:
Left-right axis malformations. Identifiers: MedGen C1866091.

Submission:

Labcorp Genetics (formerly Invitae), Labcorp
Classification: Uncertain significance for Left-right axis malformations. Last evaluated: 2025-06-10. Review status: criteria provided, single submitter. Criteria: Invitae Variant Classification Sherloc (09022015). Collection method: clinical testing. Allele origin: germline.
Comment: This sequence change replaces arginine, which is basic and polar, with glutamine, which is neutral and polar, at codon 33 of the LEFTY2 protein (p.Arg33Gln). This variant is present in population databases (rs772887173, gnomAD 0.02%). This variant has not been reported in the literature in individuals affected with LEFTY2-related conditions. Invitae Evidence Modeling of protein sequence and biophysical properties (such as structural, functional, and spatial information, amino acid conservation, physicochemical variation, residue mobility, and thermodynamic stability) indicates that this missense variant is not expected to disrupt LEFTY2 protein function with a negative predictive value of 80%. In summary, the available evidence is currently insufficient to determine the role of this variant in disease. Therefore, it has been classified as a Variant of Uncertain Significance.